The following is an entry in ClinVar:

NM_000179.3(MSH6):c.3855_3859dup (p.Tyr1287fs)

Gene: MSH6 (mutS homolog 6; plus strand). Cytogenetic location: 2p16.3.
Variant type: Duplication.
Coding change: c.3855_3859dup on transcript NM_000179.3 (MANE Select); coding-DNA positions 3855 to 3859, 5 bases duplicated (CCTCT; older notation c.3855_3859dupCCTCT).
Protein change: p.Tyr1287fs; shifts the reading frame from tyrosine 1287.
Molecular consequence: frameshift variant. On other transcripts: non-coding transcript variant (5), intron variant (1).
Genome position (GRCh38, 1-based): chr2:47,806,505-47,806,509, CCTCT duplicated; duplicating any 5 consecutive bases within chr2:47,806,504-47,806,509 gives the same sequence; the c. name uses the placement nearest the transcript's 3' end. VCF-style (leftmost placement, unchanged base first): chr2-47806503-T-TTCCTC. GRCh37 (hg19) VCF-style: chr2-48033642-T-TTCCTC.
Other names: c.3855_3859dupCCTCT (NM_000179.2); c.3465_3469dup, p.Tyr1157fs (NM_001281492.2); c.2949_2953dup, p.Tyr985fs (NM_001281493.2, NM_001281494.2, NM_001406811.1 and 6 more transcripts); c.3951_3955dup, p.Tyr1319fs (NM_001406795.1); c.3855_3859dup, p.Tyr1287fs (NM_001406796.1, NM_001406808.1, NM_001406809.1); c.3558_3562dup, p.Tyr1188fs (NM_001406797.1, NM_001406801.1, NM_001406805.1 and 10 more transcripts); c.3681_3685dup, p.Tyr1229fs (NM_001406798.1); c.3330_3334dup, p.Tyr1112fs (NM_001406799.1, NM_001406806.1, NM_001406807.1); and 10 more; short protein forms Y1112fs, Y1229fs, Y1261fs, Y1287fs, Y214fs, Y999fs, I1283fs, Y1157fs.
Identifiers: ClinVar variation 2765377 (VCV002765377.4), dbSNP rs2530861284, ClinGen allele CA2697548079.
Genomic context (GRCh38, chr2:47,806,503, plus strand): 5'-TTTCTTAAGGCATGCATGGTAGAAAATGAATGTGAAGACCCCAGCCAGGAGACTATTACG[T>TTCCTC]TCCTCTATAAATTCATTAAGGGAGCTTGTCCTAAAAGCTATGGCTTTAATGCAGCAAGGC-3'

ClinVar aggregate classification (germline): Pathogenic/Likely pathogenic. Review status: criteria provided, multiple submitters, no conflicts (2 of 4 stars). 2 submissions from 2 submitters: Pathogenic (1); Likely pathogenic (1). Last evaluated 2026-02-19.

Conditions:
Hereditary nonpolyposis colorectal neoplasms. Identifiers: MedGen C0009405, MeSH D003123.
Hereditary cancer-predisposing syndrome. Also called: Tumor predisposition; Hereditary Cancer Syndrome; Hereditary neoplastic syndrome; Neoplastic Syndromes, Hereditary. Identifiers: Orphanet 140162, MedGen C0027672, MeSH D009386, MONDO:0015356.

Submissions (2):

Ambry Genetics
Classification: Likely pathogenic for Hereditary cancer-predisposing syndrome. Last evaluated: 2026-02-19. Review status: criteria provided, single submitter. Criteria: Ambry Variant Classification Scheme 2023. Collection method: clinical testing. Allele origin: germline.
Comment: The c.3855_3859dupCCTCT variant, located in coding exon 9 of the MSH6 gene, results from a duplication of CCTCT at nucleotide position 3855, causing a translational frameshift with a predicted alternate stop codon (p.Y1287Sfs*42). This variant occurs at the 3' terminus of the gene, is not expected to trigger nonsense-mediated mRNA decay, and impacts the last 5% of the protein. However, premature stop codons are typically deleterious in nature and the impacted region is critical for protein function (Ambry internal data). This variant is considered to be rare based on population cohorts in the Genome Aggregation Database (gnomAD). Based on the majority of available evidence to date, this variant is likely to be pathogenic.

Labcorp Genetics (formerly Invitae), Labcorp
Classification: Pathogenic for Hereditary nonpolyposis colorectal neoplasms. Last evaluated: 2023-06-04. Review status: criteria provided, single submitter. Criteria: Invitae Variant Classification Sherloc (09022015). Collection method: clinical testing. Allele origin: germline.
Comment: This sequence change creates a premature translational stop signal (p.Tyr1287Serfs*42) in the MSH6 gene. While this is not anticipated to result in nonsense mediated decay, it is expected to disrupt the last 74 amino acid(s) of the MSH6 protein. This variant is not present in population databases (gnomAD no frequency). For these reasons, this variant has been classified as Pathogenic. This variant has not been reported in the literature in individuals affected with MSH6-related conditions. This variant disrupts a region of the MSH6 protein in which other variant(s) (p.Arg1334Serfs*7) have been determined to be pathogenic (Invitae). This suggests that this is a clinically significant region of the protein, and that variants that disrupt it are likely to be disease-causing.